The following is an entry in ClinVar:

ClinVar aggregate classification (germline): Likely benign (0 of 4 stars; one submission).

Conditions:
FAAH-related disorder. Also called: FAAH-related condition.

Allele frequency attached by ClinVar (database versions not stated): gnomAD 0.00001; ExAC 0.00002.

Submission:

PreventionGenetics, part of Exact Sciences
Classification: Likely benign for FAAH-related condition. Last evaluated: 2019-06-03. Review status: no assertion criteria provided. Collection method: clinical testing. Allele origin: germline.
Comment: This variant is classified as likely benign based on ACMG/AMP sequence variant interpretation guidelines (Richards et al. 2015 PMID: 25741868, with internal and published modifications).

NM_001441.3(FAAH):c.489G>A (p.Pro163=)

Gene: FAAH (fatty acid amide hydrolase; plus strand). Cytogenetic location: 1p33.
Variant type: single nucleotide variant.
Coding change: c.489G>A on transcript NM_001441.3 (MANE Select); coding-DNA position 489, G replaced by A.
Protein change: p.Pro163=; no amino-acid change (proline 163 retained).
Molecular consequence: synonymous variant.
Genome position (GRCh38, 1-based): chr1:46,405,416, G>A. VCF-style: chr1-46405416-G-A. GRCh37 (hg19) VCF-style: chr1-46871088-G-A.
Identifiers: ClinVar variation 3044613 (VCV003044613.2), dbSNP rs761243387, ClinGen allele CA836059.